The following is an entry in ClinVar:

NM_000719.7(CACNA1C):c.4074+19C>T

Gene: CACNA1C (calcium voltage-gated channel subunit alpha1 C; plus strand). Cytogenetic location: 12p13.33.
Variant type: single nucleotide variant.
Coding change: c.4074+19C>T on transcript NM_000719.7 (MANE Select); 19 bases into the intron after coding-DNA position 4074, C replaced by T.
Molecular consequence: intron variant.
Genome position (GRCh38, 1-based): chr12:2,651,787, C>T. VCF-style: chr12-2651787-C-T. GRCh37 (hg19) VCF-style: chr12-2760953-C-T.
Other names: c.4074+19C>T (NM_001167624.3, NM_001167623.2, NM_001129840.2 and 7 more transcripts); c.4041+19C>T (NM_001167625.2, NM_001129837.2, NM_001129838.2 and 1 more transcripts); c.4218+19C>T (NM_199460.4, NM_001129827.2); c.4134+19C>T (NM_001129832.2); c.4158+19C>T (NM_001129831.2); c.4140+19C>T (NM_001129829.2); c.4035+19C>T (NM_001129839.2); c.4125+19C>T (NM_001129836.2); and 1 more.
Identifiers: ClinVar variation 377609 (VCV000377609.4), dbSNP rs779341594, ClinGen allele CA6389448.

ClinVar aggregate classification (germline): Likely benign. Review status: criteria provided, multiple submitters, no conflicts (2 of 4 stars). 2 submissions from 2 submitters: Likely benign (2). Last evaluated 2023-10-04.

Conditions:
Long QT syndrome (LQTS). Identifiers: MedGen C0023976, MeSH D008133, MONDO:0002442. Disease mechanism: loss of function. Inheritance: Various modes of inheritance.

Allele frequency attached by ClinVar (database versions not stated): ExAC 0.00001; gnomAD 0.00001 and 0.00002; gnomAD exomes 0.00001 and 0.00002.
gnomAD v4.1: 10 of 1,564,166 alleles (0.00064%); highest among the groups gnomAD compares: Middle Eastern, 0.017%; no homozygotes.

Submissions (2):

Labcorp Genetics (formerly Invitae), Labcorp
Classification: Likely benign for Long QT syndrome. Last evaluated: 2023-10-04. Review status: criteria provided, single submitter. Criteria: Invitae Variant Classification Sherloc (09022015). Collection method: clinical testing. Allele origin: germline.

GeneDx
Classification: Likely benign. Last evaluated: 2016-01-11. Review status: criteria provided, single submitter. Criteria: GeneDx Variant Classification (06012015). Collection method: clinical testing. Allele origin: germline. Affected: yes.
Comment: This variant is considered likely benign or benign based on one or more of the following criteria: it is a conservative change, it occurs at a poorly conserved position in the protein, it is predicted to be benign by multiple in silico algorithms, and/or has population frequency not consistent with disease.